The following is an entry in ClinVar:

NM_001379451.1(BCORL1):c.2257A>G (p.Ile753Val)

Gene: BCORL1 (BCL6 corepressor like 1; plus strand). Cytogenetic location: Xq26.1.
Variant type: single nucleotide variant.
Coding change: c.2257A>G on transcript NM_001379451.1 (MANE Select); coding-DNA position 2257, A replaced by G.
Protein change: p.Ile753Val; replaces isoleucine 753 with valine.
Molecular consequence: missense variant.
Genome position (GRCh38, 1-based): chrX:130,015,029, A>G. VCF-style: chrX-130015029-A-G. GRCh37 (hg19) VCF-style: chrX-129149005-A-G.
Other names: c.2257A>G, p.Ile753Val (NM_001184772.3, NM_001379450.1, NM_021946.5); short protein forms I753V.
Identifiers: ClinVar variation 3251177 (VCV003251177.18), dbSNP rs2522672502.

ClinVar aggregate classification (germline): Uncertain significance (1 of 4 stars; one submission).

Allele frequency attached by ClinVar (database versions not stated): gnomAD exomes below 0.00001.
gnomAD v4.1: 1 of 1,211,743 alleles (0.000083%); highest among the groups gnomAD compares: Non-Finnish European, 0.00011%; no homozygotes.

Submission:

CeGaT Center for Human Genetics Tuebingen
Classification: Uncertain significance. Last evaluated: 2024-06-01. Review status: criteria provided, single submitter. Criteria: CeGaT Center For Human Genetics Tuebingen Variant Classification Criteria Version 2. Collection method: clinical testing. Allele origin: germline. Affected: yes. Observed: 1 variant allele.
Comment: BCORL1: PM2